The following is an entry in ClinVar:

NM_033419.5(PGAP3):c.*850C>T

Gene: PGAP3 (post-GPI attachment to proteins phospholipase 3; minus strand). Cytogenetic location: 17q12.
Variant type: single nucleotide variant.
Coding change: c.*850C>T on transcript NM_033419.5 (MANE Select); 850 bases downstream of the stop codon, C replaced by T.
Molecular consequence: 3 prime UTR variant.
Genome position (GRCh38, 1-based): chr17:39,671,953, G>A on the plus strand (C>T on the coding strand, the complement: PGAP3 is on the minus strand). VCF-style: chr17-39671953-G-A. GRCh37 (hg19) VCF-style: chr17-37828206-G-A.
Other names: c.*850C>T (NM_001291726.2, NM_001291728.2, NM_001291730.2 and 1 more transcripts); c.*899C>T (NM_001291733.2).
Identifiers: ClinVar variation 5005745 (VCV005005745.2).

ClinVar aggregate classification (germline): Uncertain significance (1 of 4 stars; one submission).

Conditions:
Hyperphosphatasia with impaired intellectual development syndrome 4. Also called: GLYCOSYLPHOSPHATIDYLINOSITOL BIOSYNTHESIS DEFECT 10; Hyperphosphatasia with intellectual disability syndrome 4. Identifiers: Orphanet 247262, MedGen C3810354, MONDO:0014318, OMIM 615716.

Submission:

Juno Genomics, Hangzhou Juno Genomics, Inc
Classification: Uncertain significance for Hyperphosphatasia with impaired intellectual development syndrome 4. Review status: criteria provided, single submitter. Criteria: ACMG Guidelines, 2015. Collection method: clinical testing. Allele origin: germline.
Comment: Absent from controls (or at extremely low frequency if recessive) in Genome Aggregation Database.